The following is an entry in ClinVar:

ClinVar aggregate classification (germline): Conflicting classifications of pathogenicity. Review status: criteria provided, conflicting classifications (1 of 4 stars). 2 submissions from 2 submitters: Uncertain significance (1); Likely benign (1). Last evaluated 2026-09-08.

Conditions:
MYO18B-related disorder. Also called: MYO18B-related condition.

Allele frequency attached by ClinVar (database versions not stated): gnomAD exomes 0.00001 and 0.00005; gnomAD 0.00004 and 0.00005; ESP Exome Variant Server 0.00008; ExAC 0.00009; TOPMed 0.00009; 1000 Genomes Project 30x 0.00031.
gnomAD v4.1: 29 of 1,525,288 alleles (0.0019%); highest among the groups gnomAD compares: African/African-American, 0.013%; no homozygotes.

Submissions (2):

PreventionGenetics, part of Exact Sciences
Classification: Uncertain significance for MYO18B-related condition. Last evaluated: 2026-09-08. Review status: criteria provided, single submitter. Criteria: ACMG Guidelines, 2015. Collection method: clinical testing. Allele origin: germline.
Comment: The MYO18B c.702C>T variant is not predicted to result in an amino acid change (p.=). This variant is predicted to alter splicing based on available splicing prediction software (SpliceAI, Jaganathan et al. 2019. PubMed ID: 30661751). However, the use of computer prediction software is not equivalent to functional evidence. To our knowledge, this variant has not been reported in the literature. This variant is reported in 0.014% of alleles in individuals of Latino descent in gnomAD. At this time, the clinical significance of this variant is uncertain due to the absence of conclusive functional and genetic evidence.

Labcorp Genetics (formerly Invitae), Labcorp
Classification: Likely benign. Last evaluated: 2025-11-23. Review status: criteria provided, single submitter. Criteria: Invitae Variant Classification Sherloc (09022015). Collection method: clinical testing. Allele origin: germline.

NM_032608.7(MYO18B):c.702C>T (p.Gly234=)

Gene: MYO18B (myosin XVIIIB; plus strand). Cytogenetic location: 22q12.1.
Variant type: single nucleotide variant.
Coding change: c.702C>T on transcript NM_032608.7 (MANE Select); coding-DNA position 702, C replaced by T.
Protein change: p.Gly234=; no amino-acid change (glycine 234 retained).
Molecular consequence: synonymous variant.
Genome position (GRCh38, 1-based): chr22:25,768,618, C>T. VCF-style: chr22-25768618-C-T. GRCh37 (hg19) VCF-style: chr22-26164585-C-T.
Other names: c.702C>T (NM_032608.6); c.702C>T, p.Gly234= (NM_001318245.2).
Identifiers: ClinVar variation 1373103 (VCV001373103.9), dbSNP rs374297962, ClinGen allele CA10159673.
Genomic context (GRCh38, chr22:25,768,618, plus strand): 5'-GAAGACCCGGACTGGGGGTCTTGGGGACCCAGGCCAAGGAACTGTGGCACTGAAAAAAGG[C>T]GAGGAGGGTCAAAGCATAGTGGGGAAGGGGCTTGGGACCCCCAAGACCACAGAGCTGAAA-3'
Protein context (NP_115997.5, residues 224-244): PGQGTVALKK[Gly234=]EEGQSIVGKG